The following is an entry in ClinVar:

NM_006514.4(SCN10A):c.151C>G (p.Pro51Ala)

Gene: SCN10A (sodium voltage-gated channel alpha subunit 10; minus strand). Cytogenetic location: 3p22.2.
Variant type: single nucleotide variant.
Coding change: c.151C>G on transcript NM_006514.4 (MANE Select); coding-DNA position 151, C replaced by G.
Protein change: p.Pro51Ala; replaces proline 51 with alanine.
Molecular consequence: missense variant.
Genome position (GRCh38, 1-based): chr3:38,793,860, G>C on the plus strand (C>G on the coding strand, the complement: SCN10A is on the minus strand). VCF-style: chr3-38793860-G-C. GRCh37 (hg19) VCF-style: chr3-38835351-G-C.
Other names: c.151C>G, p.Pro51Ala (NM_001293306.2, NM_001293307.2); short protein forms P51A.
Identifiers: ClinVar variation 855525 (VCV000855525.8), dbSNP rs368312678, ClinGen allele CA72963535.

ClinVar aggregate classification (germline): Uncertain significance. Review status: criteria provided, multiple submitters, no conflicts (2 of 4 stars). 2 submissions from 2 submitters: Uncertain significance (2). Last evaluated 2021-07-30.

Conditions:
Cardiovascular phenotype. Identifiers: MedGen CN230736.
Brugada syndrome. Also called: Sudden Unexplained Death Syndrome; Sudden Unexplained Nocturnal Death Syndrome (SUNDS); Sudden unexpected nocturnal death syndrome; Sudden unexplained nocturnal death syndrome. Identifiers: Orphanet 130, MedGen C1142166, MONDO:0015263.

Allele frequency attached by ClinVar (database versions not stated): TOPMed 0.00002; ESP Exome Variant Server 0.00008.
gnomAD v4.1: 2 of 1,613,936 alleles (0.00012%); highest among the groups gnomAD compares: Non-Finnish European, 0.000085%; no homozygotes.

Submissions (2):

Ambry Genetics
Classification: Uncertain significance for Cardiovascular phenotype. Last evaluated: 2021-07-30. Review status: criteria provided, single submitter. Criteria: Ambry Variant Classification Scheme 2023. Collection method: clinical testing. Allele origin: germline.
Comment: The p.P51A variant (also known as c.151C>G), located in coding exon 1 of the SCN10A gene, results from a C to G substitution at nucleotide position 151. The proline at codon 51 is replaced by alanine, an amino acid with highly similar properties. This amino acid position is conserved. In addition, this alteration is predicted to be tolerated by in silico analysis. Since supporting evidence is limited at this time, the clinical significance of this alteration remains unclear.

Labcorp Genetics (formerly Invitae), Labcorp
Classification: Uncertain significance for Brugada syndrome. Last evaluated: 2020-02-21. Review status: criteria provided, single submitter. Criteria: Invitae Variant Classification Sherloc (09022015). Collection method: clinical testing. Allele origin: germline.
Comment: In summary, the available evidence is currently insufficient to determine the role of this variant in disease. Therefore, it has been classified as a Variant of Uncertain Significance. This sequence change replaces proline with alanine at codon 51 of the SCN10A protein (p.Pro51Ala). The proline residue is highly conserved and there is a small physicochemical difference between proline and alanine. This variant is not present in population databases (ExAC no frequency). This variant has not been reported in the literature in individuals with SCN10A-related conditions. Algorithms developed to predict the effect of missense changes on protein structure and function output the following: SIFT: "Tolerated"; PolyPhen-2: "Benign"; Align-GVGD: "Class C0". The alanine amino acid residue is found in multiple mammalian species, suggesting that this missense change does not adversely affect protein function. These predictions have not been confirmed by published functional studies and their clinical significance is uncertain.